The following is an entry in ClinVar:

ClinVar aggregate classification (germline): Uncertain significance (1 of 4 stars; one submission).

Conditions:
Cystic fibrosis (CF). Also called: MUCOVISCIDOSIS. Identifiers: Orphanet 586, MedGen C0010674, MONDO:0009061, OMIM 219700. Disease mechanism: loss of function.

Allele frequency attached by ClinVar (database versions not stated): TOPMed below 0.00001.

Submission:

Ambry Genetics
Classification: Uncertain significance for Cystic fibrosis. Last evaluated: 2024-03-03. Review status: criteria provided, single submitter. Criteria: Ambry Variant Classification Scheme 2023. Collection method: clinical testing. Allele origin: germline.
Comment: The p.D806E variant (also known as c.2418T>A), located in coding exon 14 of the CFTR gene, results from a T to A substitution at nucleotide position 2418. The aspartic acid at codon 806 is replaced by glutamic acid, an amino acid with highly similar properties. This amino acid position is conserved. In addition, this alteration is predicted to be deleterious by in silico analysis. Since supporting evidence is limited at this time, the clinical significance of this alteration remains unclear.

NM_000492.4(CFTR):c.2418T>A (p.Asp806Glu)

Gene: CFTR (CF transmembrane conductance regulator; plus strand). Cytogenetic location: 7q31.2.
Variant type: single nucleotide variant.
Coding change: c.2418T>A on transcript NM_000492.4 (MANE Select); coding-DNA position 2418, T replaced by A.
Protein change: p.Asp806Glu; replaces aspartic acid 806 with glutamic acid.
Molecular consequence: missense variant.
Genome position (GRCh38, 1-based): chr7:117,592,585, T>A. VCF-style: chr7-117592585-T-A. GRCh37 (hg19) VCF-style: chr7-117232639-T-A.
Other names: short protein forms D806E.
Identifiers: ClinVar variation 1790972 (VCV001790972.2), dbSNP rs1792049659, ClinGen allele CA368981198.